The following is an entry in ClinVar:

ClinVar aggregate classification (germline): Uncertain significance (1 of 4 stars; one submission).

Allele frequency attached by ClinVar (database versions not stated): gnomAD exomes 0.00002; gnomAD 0.00001; TOPMed 0.00002; ExAC 0.00003.
gnomAD v4.1: 24 of 1,614,140 alleles (0.0015%); highest among the groups gnomAD compares: East Asian, 0.031%; no homozygotes.

Submission:

GeneDx
Classification: Uncertain significance. Last evaluated: 2025-03-27. Review status: criteria provided, single submitter. Criteria: GeneDx Variant Classification Process June 2021. Collection method: clinical testing. Allele origin: germline.
Comment: Identified with a second variant on the same allele (in cis) in a patient with apparently autosomal dominant mid-frequency sensorineural hearing loss in published literature (PMID: 31554319); In silico analysis indicates that this missense variant does not alter protein structure/function; This variant is associated with the following publications: (PMID: 21520338, 31554319, 9590290)

NM_005422.4(TECTA):c.494C>T (p.Thr165Ile)

Genes: TBCEL-TECTA (TBCEL-TECTA readthrough; plus strand), TECTA (tectorin alpha; plus strand). Cytogenetic location: 11q23.3.
Variant type: single nucleotide variant.
Coding change: c.494C>T on transcript NM_005422.4 (MANE Select); coding-DNA position 494, C replaced by T.
Protein change: p.Thr165Ile; replaces threonine 165 with isoleucine.
Molecular consequence: missense variant.
Genome position (GRCh38, 1-based): chr11:121,113,079, C>T. VCF-style: chr11-121113079-C-T. GRCh37 (hg19) VCF-style: chr11-120983788-C-T.
Other names: c.1451C>T, p.Thr484Ile (NM_001378761.1); short protein forms T165I, T484I.
Identifiers: ClinVar variation 3253036 (VCV003253036.2), dbSNP rs756789927.
Genomic context (GRCh38, chr11:121,113,079, plus strand): 5'-CCAGGACCTCCTGGGGAGTGCAAGTCATGAGACTGCGCATTCCCATCCTGTAGGTGAACA[C>T]CTTCCAGGCCGTCCTAGTGTCCGATGGCTCCTATACATTCACCCTCTTCAATTATTACGA-3'
Protein context (NP_005413.2, residues 155-175): YGGSSTTPVN[Thr165Ile]FQAVLVSDGS